The following is an entry in ClinVar:

ClinVar aggregate classification (germline): Likely benign (1 of 4 stars; one submission).

Submission:

CeGaT Center for Human Genetics Tuebingen
Classification: Likely benign. Last evaluated: 2023-01-01. Review status: criteria provided, single submitter. Criteria: CeGaT Center For Human Genetics Tuebingen Variant Classification Criteria Version 2. Collection method: clinical testing. Allele origin: germline. Affected: yes. Observed: 1 variant allele.
Comment: BRD10: BS2

NM_001017969.3(BRD10):c.4294ATT[1] (p.Ile1433del)

Gene: BRD10 (bromodomain containing 10; minus strand). Cytogenetic location: 9p24.1.
Variant type: Microsatellite.
Coding change: c.4294ATT[1] on transcript NM_001017969.3 (MANE Select); one copy of the 3-base unit ATT starting at c.4294; the reference has two copies in a row; one copy, 3 bases deleted.
Protein change: p.Ile1433del; deletes isoleucine 1433.
Molecular consequence: inframe deletion.
Genome position (GRCh38, 1-based): chr9:5,921,697-5,921,699, AAT deleted on the plus strand (ATT on the coding strand, the reverse complement: BRD10 is on the minus strand); deleting any 3 consecutive bases within chr9:5,921,697-5,921,703 gives the same sequence; the position shown is the placement nearest the transcript's 3' end. VCF-style (leftmost placement, unchanged base first): chr9-5921696-GAAT-G. GRCh37 (hg19) VCF-style: chr9-5921696-GAAT-G.
Other names: short protein forms I1433del.
Identifiers: ClinVar variation 2659056 (VCV002659056.23), dbSNP rs544774645, ClinGen allele CA4977025.